The following is an entry in ClinVar:

NM_000321.3(RB1):c.-60_-59delinsTT

Gene: RB1 (RB transcriptional corepressor 1; plus strand). Cytogenetic location: 13q14.2.
Variant type: Indel.
Coding change: c.-60_-59delinsTT on transcript NM_000321.3 (MANE Select); 60 bases upstream of the start codon through 59 bases upstream of the start codon, GC replaced by TT.
Molecular consequence: 5 prime UTR variant.
Genome position (GRCh38, 1-based): chr13:48,303,853-48,303,854, GC replaced by TT. VCF-style: chr13-48303853-GC-TT. GRCh37 (hg19) VCF-style: chr13-48877989-GC-TT.
Other names: c.-60_-59delinsTT (NM_001407165.1, NM_001407166.1, NM_001407167.1).
Identifiers: ClinVar variation 4741674 (VCV004741674.1).
Genomic context (GRCh38, chr13:48,303,853, plus strand): 5'-ACGTTGAAATTATTTTTGTAACGGGAGTCGGGAGAGGACGGGGCGTGCCCCGACGTGCGC[GC>TT]GCGTCGTCCTCCCCGGCGCTCCTCCACAGCTCGCTGGCTCCCGCCGCGGAAAGGCGTCAT-3'

ClinVar aggregate classification (germline): Uncertain significance (1 of 4 stars; one submission).

Conditions:
Retinoblastoma (RB1). Also called: RETINOBLASTOMA, SOMATIC. Identifiers: Orphanet 790, MedGen C0035335, MeSH D012175, MONDO:0008380, OMIM 180200, HP:0009919. Disease mechanism: loss of function. Inheritance: Both sporadic and heritable forms are tested..

Submission:

Labcorp Genetics (formerly Invitae), Labcorp
Classification: Uncertain significance for Retinoblastoma. Last evaluated: 2025-07-18. Review status: criteria provided, single submitter. Criteria: Invitae Variant Classification Sherloc (09022015). Collection method: clinical testing. Allele origin: germline.
Comment: This variant occurs in a non-coding region of the RB1 gene. It does not change the encoded amino acid sequence of the RB1 protein. Information on the frequency of this variant in the gnomAD database is not available, as this variant may be reported differently in the database. This variant has not been reported in the literature in individuals affected with RB1-related conditions. Experimental studies and prediction algorithms are not available or were not evaluated, and the functional significance of this variant is currently unknown. In summary, the available evidence is currently insufficient to determine the role of this variant in disease. Therefore, it has been classified as a Variant of Uncertain Significance.